The following is an entry in ClinVar:

ClinVar aggregate classification (germline): Uncertain significance (1 of 4 stars; one submission).

Conditions:
Symmetrical dyschromatosis of extremities (DSH). Also called: DYSCHROMATOSIS SYMMETRICA HEREDITARIA 1; RETICULATE ACROPIGMENTATION OF DOHI; SYMMETRIC DYSCHROMATOSIS OF THE EXTREMITIES; Dyschromatosis symmetrica hereditaria. Identifiers: Orphanet 41, MedGen C0406775, MONDO:0007483, OMIM 127400.
Aicardi-Goutieres syndrome 6 (AGS6). Identifiers: Orphanet 51, MedGen C3539013, MONDO:0014007, OMIM 615010.

Submission:

Labcorp Genetics (formerly Invitae), Labcorp
Classification: Uncertain significance for Aicardi-Goutieres syndrome 6; Symmetrical dyschromatosis of extremities. Last evaluated: 2025-05-27. Review status: criteria provided, single submitter. Criteria: Invitae Variant Classification Sherloc (09022015). Collection method: clinical testing. Allele origin: germline.
Comment: This sequence change falls in intron 6 of the ADAR gene. It does not directly change the encoded amino acid sequence of the ADAR protein. It affects a nucleotide within the consensus splice site. This variant is not present in population databases (gnomAD no frequency). This variant has not been reported in the literature in individuals affected with ADAR-related conditions. ClinVar contains an entry for this variant (Variation ID: 3757137). Variants that disrupt the consensus splice site are a relatively common cause of aberrant splicing (PMID: 17576681, 9536098). Algorithms developed to predict the effect of sequence changes on RNA splicing suggest that this variant may disrupt the consensus splice site. In summary, the available evidence is currently insufficient to determine the role of this variant in disease. Therefore, it has been classified as a Variant of Uncertain Significance.

Literature cited by the submitters: PubMed 17576681; PubMed 9536098.

NM_001111.5(ADAR):c.2270+6T>G

Gene: ADAR (adenosine deaminase RNA specific; minus strand). Cytogenetic location: 1q21.3.
Variant type: single nucleotide variant.
Coding change: c.2270+6T>G on transcript NM_001111.5 (MANE Select); 6 bases into the intron after coding-DNA position 2270, T replaced by G.
Molecular consequence: intron variant.
Genome position (GRCh38, 1-based): chr1:154,596,799, A>C on the plus strand (T>G on the coding strand, the complement: ADAR is on the minus strand). VCF-style: chr1-154596799-A-C. GRCh37 (hg19) VCF-style: chr1-154569275-A-C.
Other names: c.1385+6T>G (NM_001365046.1, NM_001025107.3, NM_001365048.1 and 3 more transcripts); c.2297+6T>G (NM_001365045.1); c.2213+6T>G (NM_015841.4); c.2270+6T>G (NM_015840.4).
Identifiers: ClinVar variation 3757137 (VCV003757137.2).